The following is an entry in ClinVar:

ClinVar aggregate classification (germline): Likely benign. Review status: criteria provided, multiple submitters, no conflicts (2 of 4 stars). 2 submissions from 2 submitters: Likely benign (2). Last evaluated 2025-11-01.

Conditions:
Glycogen storage disease, type II (IOPD). Also called: Pompe Disease; CARDIOMEGALIA GLYCOGENICA DIFFUSA; Glucosidase acid-1,4-alpha deficiency; POMPE DISEASE, INFANTILE-ONSET; GLYCOGEN STORAGE DISEASE II, INFANTILE-ONSET; ACID ALPHA-GLUCOSIDASE DEFICIENCY, INFANTILE-ONSET. Identifiers: Orphanet 365, MedGen C0017921, MONDO:0009290, OMIM 232300.

Allele frequency attached by ClinVar (database versions not stated): TOPMed below 0.00001; ExAC 0.00001; gnomAD 0.00001; gnomAD exomes 0.00001.
gnomAD v4.1: 14 of 1,612,764 alleles (0.00087%); highest among the groups gnomAD compares: Admixed American, 0.0017%; no homozygotes.

Submissions (2):

CeGaT Center for Human Genetics Tuebingen
Classification: Likely benign. Last evaluated: 2025-11-01. Review status: criteria provided, single submitter. Criteria: CeGaT Center For Human Genetics Tuebingen Variant Classification Criteria Version 2. Collection method: clinical testing. Allele origin: germline. Affected: yes. Observed: 1 variant allele.
Comment: GAA: BP4, BP7

Labcorp Genetics (formerly Invitae), Labcorp
Classification: Likely benign for Glycogen storage disease, type II. Last evaluated: 2025-04-13. Review status: criteria provided, single submitter. Criteria: Invitae Variant Classification Sherloc (09022015). Collection method: clinical testing. Allele origin: germline.

NM_000152.5(GAA):c.1161G>C (p.Val387=)

Gene: GAA (alpha glucosidase; plus strand). Cytogenetic location: 17q25.3.
Variant type: single nucleotide variant.
Coding change: c.1161G>C on transcript NM_000152.5 (MANE Select); coding-DNA position 1161, G replaced by C.
Protein change: p.Val387=; no amino-acid change (valine 387 retained).
Molecular consequence: synonymous variant.
Genome position (GRCh38, 1-based): chr17:80,108,574, G>C. VCF-style: chr17-80108574-G-C. GRCh37 (hg19) VCF-style: chr17-78082373-G-C.
Other names: c.1161G>C, p.Val387= (NM_001079803.3, NM_001079804.3).
Identifiers: ClinVar variation 1442793 (VCV001442793.14), dbSNP rs756211975, ClinGen allele CA8815186.